The following is an entry in ClinVar:

NM_002900.3(RBP3):c.1177A>G (p.Thr393Ala)

Gene: RBP3 (retinol binding protein 3; plus strand). Cytogenetic location: 10q11.22.
Variant type: single nucleotide variant.
Coding change: c.1177A>G on transcript NM_002900.3 (MANE Select); coding-DNA position 1177, A replaced by G.
Protein change: p.Thr393Ala; replaces threonine 393 with alanine.
Molecular consequence: missense variant.
Genome position (GRCh38, 1-based): chr10:47,349,661, A>G. VCF-style: chr10-47349661-A-G. GRCh37 (hg19) VCF-style: chr10-48389701-T-C.
Other names: short protein forms T393A.
Identifiers: ClinVar variation 1914212 (VCV001914212.5), dbSNP rs1555211153, ClinGen allele CA376668752.

ClinVar aggregate classification (germline): Uncertain significance (1 of 4 stars; one submission).

Allele frequency attached by ClinVar (database versions not stated): gnomAD exomes below 0.00001; TOPMed below 0.00001; gnomAD 0.00001.
gnomAD v4.1: 9 of 1,612,210 alleles (0.00056%); highest among the groups gnomAD compares: African/African-American, 0.0067%; no homozygotes.

Submission:

Labcorp Genetics (formerly Invitae), Labcorp
Classification: Uncertain significance. Last evaluated: 2022-03-27. Review status: criteria provided, single submitter. Criteria: Invitae Variant Classification Sherloc (09022015). Collection method: clinical testing. Allele origin: germline.
Comment: This variant is present in population databases (no rsID available, gnomAD 0.008%). This variant has not been reported in the literature in individuals affected with RBP3-related conditions. Algorithms developed to predict the effect of missense changes on protein structure and function (SIFT, PolyPhen-2, Align-GVGD) all suggest that this variant is likely to be tolerated. In summary, the available evidence is currently insufficient to determine the role of this variant in disease. Therefore, it has been classified as a Variant of Uncertain Significance. This sequence change replaces threonine, which is neutral and polar, with alanine, which is neutral and non-polar, at codon 393 of the RBP3 protein (p.Thr393Ala).